The following is an entry in ClinVar:

ClinVar aggregate classification (germline): Pathogenic. Review status: criteria provided, multiple submitters, no conflicts (2 of 4 stars). 2 submissions from 2 submitters: Pathogenic (2). Last evaluated 2022-08-09.

Conditions:
Metaphyseal dysplasia-maxillary hypoplasia-brachydacty syndrome. Also called: METAPHYSEAL DYSPLASIA AND MAXILLARY HYPOPLASIA WITH OR WITHOUT BRACHYDACTYLY; Metaphyseal dysplasia with maxillary hypoplasia and brachydactyly; Metaphyseal dysplasia with maxillary hypoplasia with or without brachydactyly. Identifiers: Orphanet 2504, MedGen C3549874, MONDO:0007984, OMIM 156510.

Submissions (2):

Institute of Human Genetics, University of Leipzig Medical Center
Classification: Pathogenic for Metaphyseal dysplasia-maxillary hypoplasia-brachydacty syndrome. Last evaluated: 2022-08-09. Review status: criteria provided, single submitter. Criteria: ACMG Guidelines, 2015. Collection method: clinical testing. Allele origin: unknown. Affected: yes.
Comment: _x000D_ Criteria applied: PVS1, PS4_MOD, PM2_SUP

Labcorp Genetics (formerly Invitae), Labcorp
Classification: Pathogenic. Last evaluated: 2020-12-20. Review status: criteria provided, single submitter. Criteria: Invitae Variant Classification Sherloc (09022015). Collection method: clinical testing. Allele origin: germline.
Comment: This variant is not present in population databases (ExAC no frequency). For these reasons, this variant has been classified as Pathogenic. Algorithms developed to predict the effect of sequence changes on RNA splicing suggest that this variant may create or strengthen a splice site, but this prediction has not been confirmed by published transcriptional studies. This variant has been observed in individual(s) with cleidocranial dysplasia (PMID: 16140555). This sequence change creates a premature translational stop signal (p.Gln290*) in the RUNX2 gene. It is expected to result in an absent or disrupted protein product. Loss-of-function variants in RUNX2 are known to be pathogenic (PMID: 10521292, 11857736).

Literature cited by the submitters: PubMed 16140555 (cited by Labcorp Genetics (formerly Invitae), Labcorp); PubMed 10521292 (cited by Labcorp Genetics (formerly Invitae), Labcorp); PubMed 11857736 (cited by Labcorp Genetics (formerly Invitae), Labcorp).

NM_001024630.4(RUNX2):c.868C>T (p.Gln290Ter)

Gene: RUNX2 (RUNX family transcription factor 2; plus strand). Cytogenetic location: 6p21.1.
Variant type: single nucleotide variant.
Coding change: c.868C>T on transcript NM_001024630.4 (MANE Select); coding-DNA position 868, C replaced by T.
Protein change: p.Gln290Ter; replaces glutamine 290 with a stop codon.
Molecular consequence: nonsense.
Genome position (GRCh38, 1-based): chr6:45,512,254, C>T. VCF-style: chr6-45512254-C-T. GRCh37 (hg19) VCF-style: chr6-45479991-C-T.
Other names: c.868C>T, p.Gln290Ter (NM_001015051.4); c.826C>T, p.Gln276Ter (NM_001278478.2, NM_001369405.1); short protein forms Q290*, Q276*.
Identifiers: ClinVar variation 1405763 (VCV001405763.9), dbSNP rs1311296877, ClinGen allele CA363955842.